The following is an entry in ClinVar:

ClinVar aggregate classification (germline): Likely benign. Review status: criteria provided, multiple submitters, no conflicts (2 of 4 stars). 3 submissions from 3 submitters: Likely benign (2). 1 of the submissions does not count toward it. Last evaluated 2025-12-03.

Conditions:
PIGN-related disorder. Also called: PIGN-related condition.
Inborn genetic diseases. Identifiers: MedGen C0950123, MeSH D030342.
Multiple congenital anomalies-hypotonia-seizures syndrome 1 (MCAHS1). Also called: PIGN-CDG; Congenital disorder of glycosylation due to PIGN deficiency; GLYCOSYLPHOSPHATIDYLINOSITOL BIOSYNTHESIS DEFECT 3. Identifiers: Orphanet 280633, MedGen C3279775, MONDO:0013563, OMIM 614080.

Allele frequency attached by ClinVar (database versions not stated): gnomAD exomes 0.00002 and 0.00006; ExAC 0.00007; ESP Exome Variant Server 0.00017; gnomAD 0.00019 and 0.00021; TOPMed 0.00027; 1000 Genomes Project 30x 0.00047; 1000 Genomes Project 0.00060.
gnomAD v4.1: 63 of 1,611,290 alleles (0.0039%); highest among the groups gnomAD compares: African/African-American, 0.064%; 1 homozygote.

Submissions (3):

Labcorp Genetics (formerly Invitae), Labcorp
Classification: Likely benign for Multiple congenital anomalies-hypotonia-seizures syndrome 1. Last evaluated: 2025-12-03. Review status: criteria provided, single submitter. Criteria: Invitae Variant Classification Sherloc (09022015). Collection method: clinical testing. Allele origin: germline.

Ambry Genetics
Classification: Likely benign for Inborn genetic diseases. Last evaluated: 2017-09-20. Review status: criteria provided, single submitter. Criteria: Ambry Variant Classification Scheme 2023. Collection method: clinical testing. Allele origin: germline.

PreventionGenetics, part of Exact Sciences
Classification: Likely benign for PIGN-related condition. Last evaluated: 2024-06-21. Review status: no assertion criteria provided. Collection method: clinical testing. Allele origin: germline. Not counted in ClinVar's aggregate classification.
Comment: This variant is classified as likely benign based on ACMG/AMP sequence variant interpretation guidelines (Richards et al. 2015 PMID: 25741868, with internal and published modifications).

NM_176787.5(PIGN):c.1404C>T (p.Asn468=)

Gene: PIGN (phosphatidylinositol glycan anchor biosynthesis class N; minus strand). Cytogenetic location: 18q21.33.
Variant type: single nucleotide variant.
Coding change: c.1404C>T on transcript NM_176787.5 (MANE Select); coding-DNA position 1404, C replaced by T.
Protein change: p.Asn468=; no amino-acid change (asparagine 468 retained).
Molecular consequence: synonymous variant.
Genome position (GRCh38, 1-based): chr18:62,113,164, G>A on the plus strand (C>T on the coding strand, the complement: PIGN is on the minus strand). VCF-style: chr18-62113164-G-A. GRCh37 (hg19) VCF-style: chr18-59780397-G-A.
Other names: c.1404C>T, p.Asn468= (NM_012327.6).
Identifiers: ClinVar variation 736873 (VCV000736873.14), dbSNP rs201927476, ClinGen allele CA8982309.